The following is an entry in ClinVar:

NM_000026.4(ADSL):c.873G>A (p.Ala291=)

Gene: ADSL (adenylosuccinate lyase; plus strand). Cytogenetic location: 22q13.1.
Variant type: single nucleotide variant.
Coding change: c.873G>A on transcript NM_000026.4 (MANE Select); coding-DNA position 873, G replaced by A.
Protein change: p.Ala291=; no amino-acid change (alanine 291 retained).
Molecular consequence: synonymous variant. On other transcripts: non-coding transcript variant (1).
Genome position (GRCh38, 1-based): chr22:40,361,498, G>A. VCF-style: chr22-40361498-G-A. GRCh37 (hg19) VCF-style: chr22-40757502-G-A.
Other names: c.873G>A, p.Ala291= (NM_001123378.3, NM_001363840.3); c.681G>A, p.Ala227= (NM_001317923.2); c.873G>A (NM_000026.3).
Identifiers: ClinVar variation 751885 (VCV000751885.12), dbSNP rs765122847, ClinGen allele CA10247862.

ClinVar aggregate classification (germline): Likely benign. Review status: criteria provided, single submitter (1 of 4 stars). 2 submissions from 2 submitters: Likely benign (1). 1 of the submissions does not count toward it. Last evaluated 2024-10-29.

Conditions:
ADSL-related disorder. Also called: ADSL-related condition.
Adenylosuccinate lyase deficiency (ADSLD). Also called: ADSL DEFICIENCY. Identifiers: Orphanet 46, MedGen C0268126, MONDO:0007068, OMIM 103050.

Allele frequency attached by ClinVar (database versions not stated): TOPMed 0.00003; ExAC 0.00004; gnomAD exomes 0.00004 and 0.00001; 1000 Genomes Project 30x 0.00016; gnomAD 0.00001.
gnomAD v4.1: 21 of 1,614,184 alleles (0.0013%); highest among the groups gnomAD compares: Admixed American, 0.0033%; no homozygotes.

Submissions (2):

Labcorp Genetics (formerly Invitae), Labcorp
Classification: Likely benign for Adenylosuccinate lyase deficiency. Last evaluated: 2024-10-29. Review status: criteria provided, single submitter. Criteria: Invitae Variant Classification Sherloc (09022015). Collection method: clinical testing. Allele origin: germline.

PreventionGenetics, part of Exact Sciences
Classification: Likely benign for ADSL-related condition. Last evaluated: 2019-02-24. Review status: no assertion criteria provided. Collection method: clinical testing. Allele origin: germline. Not counted in ClinVar's aggregate classification.
Comment: This variant is classified as likely benign based on ACMG/AMP sequence variant interpretation guidelines (Richards et al. 2015 PMID: 25741868, with internal and published modifications).